The following is an entry in ClinVar:

NM_001190274.2(FBXO11):c.191_199dup (p.Pro64_Pro66dup)

Gene: FBXO11 (F-box protein 11; minus strand). Cytogenetic location: 2p16.3.
Variant type: Duplication.
Coding change: c.191_199dup on transcript NM_001190274.2 (MANE Select); coding-DNA positions 191 to 199, 9 bases duplicated (CTCCGCCGC; older notation c.191_199dupCTCCGCCGC).
Protein change: p.Pro64_Pro66dup.
Molecular consequence: inframe insertion.
Genome position (GRCh38, 1-based): chr2:47,905,522-47,905,530, GCGGCGGAG duplicated on the plus strand (CTCCGCCGC on the coding strand, the reverse complement: FBXO11 is on the minus strand); duplicating any 9 consecutive bases within chr2:47,905,522-47,905,537 gives the same sequence; the c. name uses the placement nearest the transcript's 3' end. VCF-style (leftmost placement, unchanged base first): chr2-47905521-A-AGCGGCGGAG. GRCh37 (hg19) VCF-style: chr2-48132660-A-AGCGGCGGAG.
Identifiers: ClinVar variation 984444 (VCV000984444.10), dbSNP rs977093129, ClinGen allele CA769465833.

ClinVar aggregate classification (germline): Conflicting classifications of pathogenicity. Review status: criteria provided, conflicting classifications (1 of 4 stars). 4 submissions from 4 submitters: Likely pathogenic (2); Uncertain significance (2). Last evaluated 2025-10-20.

Conditions:
Intellectual developmental disorder with dysmorphic facies and behavioral abnormalities. Identifiers: MedGen C4748135, MONDO:0060760, OMIM 618089.

Submissions (4):

Labcorp Genetics (formerly Invitae), Labcorp
Classification: Uncertain significance. Last evaluated: 2025-10-20. Review status: criteria provided, single submitter. Criteria: Invitae Variant Classification Sherloc (09022015). Collection method: clinical testing. Allele origin: germline.
Comment: This variant, c.191_199dup, results in the insertion of 3 amino acid(s) of the FBXO11 protein (p.Pro64_Pro66dup), but otherwise preserves the integrity of the reading frame. This variant is not present in population databases (gnomAD no frequency). This variant has not been reported in the literature in individuals affected with FBXO11-related conditions. ClinVar contains an entry for this variant (Variation ID: 984444). Experimental studies and prediction algorithms are not available or were not evaluated, and the functional significance of this variant is currently unknown. In summary, the available evidence is currently insufficient to determine the role of this variant in disease. Therefore, it has been classified as a Variant of Uncertain Significance.

Mendelics
Classification: Uncertain significance. Last evaluated: 2022-05-04. Review status: criteria provided, single submitter. Criteria: Mendelics Assertion Criteria 2019. Collection method: clinical testing. Allele origin: germline.

Institute of Human Genetics, Clinical Exome/Genome Diagnostics Group, University Hospital Bonn
Classification: Likely pathogenic for Intellectual developmental disorder with dysmorphic facies and behavioral abnormalities. Last evaluated: 2020-09-24. Review status: criteria provided, single submitter. Criteria: ACMG Guidelines, 2015. Collection method: clinical testing. Allele origin: germline. Affected: yes.

Institute for Genomic Statistics and Bioinformatics, University Hospital Bonn
Classification: Likely pathogenic for Intellectual developmental disorder with dysmorphic facies and behavioral abnormalities. Review status: criteria provided, single submitter. Criteria: ACMG Guidelines, 2015. Collection method: clinical testing. Allele origin: de novo. Inheritance: Autosomal dominant inheritance. Affected: yes. Observed: 1 heterozygote.
Comment: ACMG classification: likely pathigenic (class 4: PS2, PM2, BP4)